The following is an entry in ClinVar:

NM_006348.5(COG5):c.458A>G (p.Asn153Ser)

Gene: COG5 (component of oligomeric golgi complex 5; minus strand). Cytogenetic location: 7q22.3.
Variant type: single nucleotide variant.
Coding change: c.458A>G on transcript NM_006348.5 (MANE Select); coding-DNA position 458, A replaced by G.
Protein change: p.Asn153Ser; replaces asparagine 153 with serine.
Molecular consequence: missense variant. On other transcripts: intron variant (1).
Genome position (GRCh38, 1-based): chr7:107,527,317, T>C on the plus strand (A>G on the coding strand, the complement: COG5 is on the minus strand). VCF-style: chr7-107527317-T-C. GRCh37 (hg19) VCF-style: chr7-107167762-T-C.
Other names: c.458A>G, p.Asn153Ser (NM_001161520.2, NM_001379511.1, NM_001379512.1 and 4 more transcripts); c.234+30659A>G (NM_001379516.1); short protein forms N153S.
Identifiers: ClinVar variation 1413672 (VCV001413672.6), dbSNP rs1800845136, ClinGen allele CA368828066.

ClinVar aggregate classification (germline): Uncertain significance (1 of 4 stars; one submission).

Conditions:
COG5-congenital disorder of glycosylation. Also called: CDG IIi; CONGENITAL DISORDER OF GLYCOSYLATION, TYPE IIi; COG5-CDG. Identifiers: Orphanet 263487, MedGen C3150876, MONDO:0013325, OMIM 613612.

Allele frequency attached by ClinVar (database versions not stated): gnomAD exomes below 0.00001; gnomAD 0.00001.
gnomAD v4.1: 3 of 1,613,258 alleles (0.00019%); highest among the groups gnomAD compares: Admixed American, 0.0033%; no homozygotes.

Submission:

Labcorp Genetics (formerly Invitae), Labcorp
Classification: Uncertain significance for COG5-congenital disorder of glycosylation. Last evaluated: 2021-09-11. Review status: criteria provided, single submitter. Criteria: Invitae Variant Classification Sherloc (09022015). Collection method: clinical testing. Allele origin: germline.
Comment: This variant is not present in population databases (ExAC no frequency). This sequence change replaces asparagine with serine at codon 184 of the COG5 protein (p.Asn184Ser). The asparagine residue is weakly conserved and there is a small physicochemical difference between asparagine and serine. This variant has not been reported in the literature in individuals affected with COG5-related conditions. Algorithms developed to predict the effect of missense changes on protein structure and function (SIFT, PolyPhen-2, Align-GVGD) all suggest that this variant is likely to be tolerated. In summary, the available evidence is currently insufficient to determine the role of this variant in disease. Therefore, it has been classified as a Variant of Uncertain Significance.